The following is an entry in ClinVar:

NM_000373.4(UMPS):c.188del (p.Asn63fs)

Gene: UMPS (uridine monophosphate synthetase; plus strand). Cytogenetic location: 3q21.2.
Variant type: Deletion.
Coding change: c.188del on transcript NM_000373.4 (MANE Select); coding-DNA position 188, one base deleted (A; older notation c.188delA).
Protein change: p.Asn63fs; shifts the reading frame from asparagine 63.
Molecular consequence: frameshift variant. On other transcripts: non-coding transcript variant (1).
Genome position (GRCh38, 1-based): chr3:124,735,124, A deleted; the last of 4 consecutive A bases (chr3:124,735,121-124,735,124); deleting any one gives the same sequence. VCF-style (leftmost placement, unchanged base first): chr3-124735120-CA-C. GRCh37 (hg19) VCF-style: chr3-124453967-CA-C.
Other names: c.188delA (NM_000373.4); short protein forms N63fs.
Identifiers: ClinVar variation 3233632 (VCV003233632.3), dbSNP rs2481567115, ClinGen allele CA2825001192.
Genomic context (GRCh38, chr3:124,735,120, plus strand): 5'-TAAAACATTGTTTATGTGTTCATTTTCTTACAGGTTGCAGATATTTTATTCCAAACTGCC[CA>C]AAATGCAGGCATCAGTTTTGACACCGTGTGTGGAGTGCCTTATACAGCTTTGCCATTGGC-3'

ClinVar aggregate classification (germline): Pathogenic. Review status: criteria provided, single submitter (1 of 4 stars). 2 submissions from 1 submitter: Pathogenic (2). Last evaluated 2024-03-06.

Conditions:
Cardiomyopathy (CMYO). Also called: Cardiomyopathies. Identifiers: Orphanet 167848, MedGen C0878544, MONDO:0004994, HP:0001638. Inheritance: Various modes of inheritance.
Oroticaciduria. Also called: Orotic aciduria. Identifiers: Orphanet 30, MedGen C0268128, HP:0003218.

Submissions (2):

Women's Health and Genetics/Laboratory Corporation of America, LabCorp
Classification: Pathogenic for Oroticaciduria. Last evaluated: 2024-03-06. Review status: criteria provided, single submitter. Criteria: LabCorp Variant Classification Summary - May 2015. Collection method: clinical testing. Allele origin: germline.
Comment: Variant summary: UMPS c.188delA (p.Asn63MetfsX47) results in a premature termination codon, predicted to cause a truncation of the encoded protein or absence of the protein due to nonsense mediated decay, which are commonly known mechanisms for disease. The variant was absent in 251426 control chromosomes. To our knowledge, no occurrence of c.188delA in individuals affected with Orotic Aciduria and no experimental evidence demonstrating its impact on protein function have been reported. No submitters have cited clinical-significance assessments for this variant to ClinVar. Based on the evidence outlined above, the variant was classified as pathogenic.

Women's Health and Genetics/Laboratory Corporation of America, LabCorp
Classification: Pathogenic for Cardiomyopathy. Last evaluated: 2024-03-06. Review status: criteria provided, single submitter. Criteria: LabCorp Variant Classification Summary - May 2015. Collection method: clinical testing. Allele origin: germline.
Comment: Variant summary: MYL2 c.188delA (p.Asn63MetfsX7) results in a premature termination codon, predicted to cause absence of the protein due to nonsense mediated decay, however current evidence is not sufficient to establish loss-of-function variants in MYL2 as causative of dominantly inherited disease (example, PMID:32453731). The variant allele was found at a frequency of 4e-06 in 251482 control chromosomes (gnomAD). c.188delA has been reported in the literature in the homozygous state in an individual affected with congenital fiber-type disproportion and cardiomyopathy (Martilla_2019), and this individual also had a heterozygous truncating variant in NEB. These data indicate that the variant may be associated with disease. To our knowledge, no experimental evidence demonstrating an impact on protein function has been reported. The following publications have been ascertained in the context of this evaluation (PMID: 31127036, 35629155). Six submitters have cited clinical-significance assessments for this variant to ClinVar after 2014, and classified it as uncertain significance (n=5) or likely pathogenic (n=1). Based on the evidence outlined above, the variant was classified as VUS-possibly pathogenic.